The following is an entry in ClinVar:

ClinVar aggregate classification (germline): Uncertain significance. Review status: criteria provided, multiple submitters, no conflicts (2 of 4 stars). 2 submissions from 2 submitters: Uncertain significance (2). Last evaluated 2024-08-31.

Conditions:
Hereditary cancer-predisposing syndrome. Also called: Tumor predisposition; Hereditary Cancer Syndrome; Hereditary neoplastic syndrome; Neoplastic Syndromes, Hereditary. Identifiers: Orphanet 140162, MedGen C0027672, MeSH D009386, MONDO:0015356.
POLD1-related polyposis and colorectal cancer syndrome (CRCS10). Also called: Colorectal cancer 10; COLORECTAL CANCER, SUSCEPTIBILITY TO, ON CHROMOSOME 19q; Colorectal cancer, susceptibility to, 10. Identifiers: Orphanet 220460, MedGen C2675481, MONDO:0012953, OMIM 612591.

Allele frequency attached by ClinVar (database versions not stated): gnomAD below 0.00001 and 0.00001; gnomAD exomes below 0.00001.
gnomAD v4.1: 4 of 1,603,878 alleles (0.00025%); highest among the groups gnomAD compares: South Asian, 0.0033%; no homozygotes.

Submissions (2):

Labcorp Genetics (formerly Invitae), Labcorp
Classification: Uncertain significance for POLD1-related polyposis and colorectal cancer syndrome. Last evaluated: 2024-08-31. Review status: criteria provided, single submitter. Criteria: Invitae Variant Classification Sherloc (09022015). Collection method: clinical testing. Allele origin: germline.
Comment: This sequence change replaces proline, which is neutral and non-polar, with serine, which is neutral and polar, at codon 217 of the POLD1 protein (p.Pro217Ser). This variant is not present in population databases (gnomAD no frequency). This variant has not been reported in the literature in individuals affected with POLD1-related conditions. ClinVar contains an entry for this variant (Variation ID: 1007925). Invitae Evidence Modeling of protein sequence and biophysical properties (such as structural, functional, and spatial information, amino acid conservation, physicochemical variation, residue mobility, and thermodynamic stability) indicates that this missense variant is not expected to disrupt POLD1 protein function with a negative predictive value of 80%. In summary, the available evidence is currently insufficient to determine the role of this variant in disease. Therefore, it has been classified as a Variant of Uncertain Significance.

Ambry Genetics
Classification: Uncertain significance for Hereditary cancer-predisposing syndrome. Last evaluated: 2023-12-10. Review status: criteria provided, single submitter. Criteria: Ambry Variant Classification Scheme 2023. Collection method: clinical testing. Allele origin: germline.
Comment: The p.P217S variant (also known as c.649C>T), located in coding exon 5 of the POLD1 gene, results from a C to T substitution at nucleotide position 649. The proline at codon 217 is replaced by serine, an amino acid with similar properties. This amino acid position is conserved. In addition, the in silico prediction for this alteration is inconclusive. Since supporting evidence is limited at this time, the clinical significance of this alteration remains unclear.

NM_002691.4(POLD1):c.649C>T (p.Pro217Ser)

Gene: POLD1 (DNA polymerase delta 1, catalytic subunit; plus strand). Cytogenetic location: 19q13.33.
Variant type: single nucleotide variant.
Coding change: c.649C>T on transcript NM_002691.4 (MANE Select); coding-DNA position 649, C replaced by T.
Protein change: p.Pro217Ser; replaces proline 217 with serine.
Molecular consequence: missense variant. On other transcripts: non-coding transcript variant (1).
Genome position (GRCh38, 1-based): chr19:50,402,264, C>T. VCF-style: chr19-50402264-C-T. GRCh37 (hg19) VCF-style: chr19-50905521-C-T.
Other names: c.649C>T, p.Pro217Ser (NM_001256849.1, NM_001308632.1); short protein forms P217S.
Identifiers: ClinVar variation 1007925 (VCV001007925.7), dbSNP rs1060501817, ClinGen allele CA406974120.